The following is an entry in ClinVar:

ClinVar aggregate classification (germline): Likely benign. Review status: criteria provided, multiple submitters, no conflicts (2 of 4 stars). 3 submissions from 3 submitters: Likely benign (3). Last evaluated 2025-02-20.

Conditions:
Dilated cardiomyopathy 1G (CMD1G). Identifiers: Orphanet 154, MedGen C1858763, MONDO:0011400, OMIM 604145.
Autosomal recessive limb-girdle muscular dystrophy type 2J (LGMDR10). Also called: Limb-girdle muscular dystrophy, type 2J; MUSCULAR DYSTROPHY, LIMB-GIRDLE, AUTOSOMAL RECESSIVE 10. Identifiers: Orphanet 140922, MedGen C1837342, MONDO:0012127, OMIM 608807.
Cardiovascular phenotype. Identifiers: MedGen CN230736.

Allele frequency attached by ClinVar (database versions not stated): gnomAD exomes 0.00001; ExAC 0.00002.
gnomAD v4.1: 10 of 1,613,316 alleles (0.00062%); highest among the groups gnomAD compares: South Asian, 0.0099%; no homozygotes.

Submissions (3):

Labcorp Genetics (formerly Invitae), Labcorp
Classification: Likely benign for Dilated cardiomyopathy 1G; Autosomal recessive limb-girdle muscular dystrophy type 2J. Last evaluated: 2025-02-20. Review status: criteria provided, single submitter. Criteria: Invitae Variant Classification Sherloc (09022015). Collection method: clinical testing. Allele origin: germline.

Ambry Genetics
Classification: Likely benign for Cardiovascular phenotype. Last evaluated: 2025-02-09. Review status: criteria provided, single submitter. Criteria: Ambry Variant Classification Scheme 2023. Collection method: clinical testing. Allele origin: germline.

GeneDx
Classification: Likely benign. Last evaluated: 2017-01-20. Review status: criteria provided, single submitter. Criteria: GeneDx Variant Classification (06012015). Collection method: clinical testing. Allele origin: germline. Affected: yes.
Comment: This variant is considered likely benign or benign based on one or more of the following criteria: it is a conservative change, it occurs at a poorly conserved position in the protein, it is predicted to be benign by multiple in silico algorithms, and/or has population frequency not consistent with disease.

NM_001267550.2(TTN):c.42270T>C (p.Asp14090=)

Gene: TTN (titin; minus strand). Cytogenetic location: 2q31.2.
Variant type: single nucleotide variant.
Coding change: c.42270T>C on transcript NM_001267550.2 (MANE Select); coding-DNA position 42270, T replaced by C.
Protein change: p.Asp14090=; no amino-acid change (aspartic acid 14090 retained).
Molecular consequence: synonymous variant.
Genome position (GRCh38, 1-based): chr2:178,634,511, A>G on the plus strand (T>C on the coding strand, the complement: TTN is on the minus strand). VCF-style: chr2-178634511-A-G. GRCh37 (hg19) VCF-style: chr2-179499238-A-G.
Other names: c.37347T>C, p.Asp12449= (NM_001256850.1); c.15075T>C, p.Asp5025= (NM_003319.4); c.34566T>C, p.Asp11522= (NM_133378.4); c.15450T>C, p.Asp5150= (NM_133432.3); c.15651T>C, p.Asp5217= (NM_133437.4).
Identifiers: ClinVar variation 506909 (VCV000506909.10), dbSNP rs753099769, ClinGen allele CA1996112.